The following is an entry in ClinVar:

NM_000368.5(TSC1):c.869C>T (p.Ala290Val)

Gene: TSC1 (TSC complex subunit 1; minus strand). Cytogenetic location: 9q34.13.
Variant type: single nucleotide variant.
Coding change: c.869C>T on transcript NM_000368.5 (MANE Select); coding-DNA position 869, C replaced by T.
Protein change: p.Ala290Val; replaces alanine 290 with valine.
Molecular consequence: missense variant.
Genome position (GRCh38, 1-based): chr9:132,912,326, G>A on the plus strand (C>T on the coding strand, the complement: TSC1 is on the minus strand). VCF-style: chr9-132912326-G-A. GRCh37 (hg19) VCF-style: chr9-135787713-G-A.
Other names: c.869C>T, p.Ala290Val (NM_001162426.2); c.716C>T, p.Ala239Val (NM_001162427.2); c.506C>T, p.Ala169Val (NM_001362177.2); short protein forms A290V, A169V, A239V.
Identifiers: ClinVar variation 1479655 (VCV001479655.8), dbSNP rs1846007897, ClinGen allele CA375369164.

ClinVar aggregate classification (germline): Uncertain significance (1 of 4 stars; one submission).

Conditions:
Tuberous sclerosis 1 (TSC1). Identifiers: Orphanet 805, MedGen C1854465, MONDO:0008612, OMIM 191100.

Allele frequency attached by ClinVar (database versions not stated): gnomAD exomes below 0.00001.
gnomAD v4.1: 1 of 1,614,152 alleles (0.000062%); highest among the groups gnomAD compares: East Asian, 0.0022%; no homozygotes.

Submission:

Labcorp Genetics (formerly Invitae), Labcorp
Classification: Uncertain significance for Tuberous sclerosis 1. Last evaluated: 2024-02-24. Review status: criteria provided, single submitter. Criteria: Invitae Variant Classification Sherloc (09022015). Collection method: clinical testing. Allele origin: germline.
Comment: This sequence change replaces alanine, which is neutral and non-polar, with valine, which is neutral and non-polar, at codon 290 of the TSC1 protein (p.Ala290Val). This variant is not present in population databases (gnomAD no frequency). This variant has not been reported in the literature in individuals affected with TSC1-related conditions. ClinVar contains an entry for this variant (Variation ID: 1479655). Advanced modeling of protein sequence and biophysical properties (such as structural, functional, and spatial information, amino acid conservation, physicochemical variation, residue mobility, and thermodynamic stability) performed at Invitae indicates that this missense variant is not expected to disrupt TSC1 protein function with a negative predictive value of 95%. In summary, the available evidence is currently insufficient to determine the role of this variant in disease. Therefore, it has been classified as a Variant of Uncertain Significance.